The following is an entry in ClinVar:

ClinVar aggregate classification (germline): Uncertain significance (1 of 4 stars; one submission).

Allele frequency attached by ClinVar (database versions not stated): gnomAD exomes below 0.00001.
gnomAD v4.1: 4 of 1,614,060 alleles (0.00025%); highest among the groups gnomAD compares: Non-Finnish European, 0.00034%; no homozygotes.

Submission:

Labcorp Genetics (formerly Invitae), Labcorp
Classification: Uncertain significance. Last evaluated: 2021-02-19. Review status: criteria provided, single submitter. Criteria: Invitae Variant Classification Sherloc (09022015). Collection method: clinical testing. Allele origin: germline.
Comment: This sequence change replaces valine with isoleucine at codon 338 of the SEMA4A protein (p.Val338Ile). The valine residue is highly conserved and there is a small physicochemical difference between valine and isoleucine. This variant is not present in population databases (ExAC no frequency). This variant has not been reported in the literature in individuals with SEMA4A-related conditions. Algorithms developed to predict the effect of missense changes on protein structure and function output the following: SIFT: "Tolerated"; PolyPhen-2: "Probably Damaging"; Align-GVGD: "Class C0". The isoleucine amino acid residue is found in multiple mammalian species, suggesting that this missense change does not adversely affect protein function. These predictions have not been confirmed by published functional studies and their clinical significance is uncertain. In summary, the available evidence is currently insufficient to determine the role of this variant in disease. Therefore, it has been classified as a Variant of Uncertain Significance.

NM_022367.4(SEMA4A):c.1012G>A (p.Val338Ile)

Gene: SEMA4A (semaphorin 4A; plus strand). Cytogenetic location: 1q22.
Variant type: single nucleotide variant.
Coding change: c.1012G>A on transcript NM_022367.4 (MANE Select); coding-DNA position 1012, G replaced by A.
Protein change: p.Val338Ile; replaces valine 338 with isoleucine.
Molecular consequence: missense variant.
Genome position (GRCh38, 1-based): chr1:156,162,972, G>A. VCF-style: chr1-156162972-G-A. GRCh37 (hg19) VCF-style: chr1-156132763-G-A.
Other names: c.1012G>A, p.Val338Ile (NM_001193300.2, NM_001193301.2, NM_001370567.1); c.616G>A, p.Val206Ile (NM_001193302.2); c.715G>A, p.Val239Ile (NM_001370568.1); c.505G>A, p.Val169Ile (NM_001370569.1, NM_001370571.1); short protein forms V169I, V206I, V239I, V338I.
Identifiers: ClinVar variation 1345130 (VCV001345130.8), dbSNP rs755370926, ClinGen allele CA342840368.